The following is an entry in ClinVar:

ClinVar aggregate classification (germline): Uncertain significance (1 of 4 stars; one submission).

Conditions:
GP1BA-related disorder. Also called: GP1BA-related condition.

gnomAD v4.1: 11 of 1,613,872 alleles (0.00068%); highest among the groups gnomAD compares: East Asian, 0.0022%; no homozygotes.

Submission:

PreventionGenetics, part of Exact Sciences
Classification: Uncertain significance for GP1BA-related condition. Last evaluated: 2024-11-21. Review status: criteria provided, single submitter. Criteria: ACMG Guidelines, 2015. Collection method: clinical testing. Allele origin: germline.
Comment: The GP1BA c.421G>A variant is predicted to result in the amino acid substitution p.Glu141Lys. To our knowledge, this variant has not been reported in the literature. This variant is reported in 0.0027% of alleles in individuals of European (Non-Finnish) descent in gnomAD. At this time, the clinical significance of this variant is uncertain due to the absence of conclusive functional and genetic evidence.

NM_000173.7(GP1BA):c.421G>A (p.Glu141Lys)

Gene: GP1BA (glycoprotein Ib platelet subunit alpha; plus strand). Cytogenetic location: 17p13.2.
Variant type: single nucleotide variant.
Coding change: c.421G>A on transcript NM_000173.7 (MANE Select); coding-DNA position 421, G replaced by A.
Protein change: p.Glu141Lys; replaces glutamic acid 141 with lysine.
Molecular consequence: missense variant.
Genome position (GRCh38, 1-based): chr17:4,933,025, G>A. VCF-style: chr17-4933025-G-A. GRCh37 (hg19) VCF-style: chr17-4836320-G-A.
Other names: short protein forms E141K.
Identifiers: ClinVar variation 4984871 (VCV004984871.1).